The following is an entry in ClinVar:

ClinVar aggregate classification (germline): Uncertain significance (1 of 4 stars; one submission).

Conditions:
Loeys-Dietz syndrome 2 (LDS2). Also called: TGFBR2-Related Loeys-Dietz Syndrome; Marfan syndrome, type 2 (formerly); AORTIC ANEURYSM, FAMILIAL THORACIC 3; MARFAN SYNDROME, TYPE II; Marfan Syndrome type 2; Marfan like connective tissue disorder. Identifiers: Orphanet 284973, Orphanet 558, MedGen C2674574, MONDO:0012427, OMIM 610168.

Allele frequency attached by ClinVar (database versions not stated): gnomAD 0.00002 and 0.00003; gnomAD exomes 0.00002; TOPMed 0.00002; ExAC 0.00003; 1000 Genomes Project 30x 0.00031; 1000 Genomes Project 0.00040.
gnomAD v4.1: 13 of 1,611,982 alleles (0.00081%); highest among the groups gnomAD compares: African/African-American, 0.0093%; no homozygotes.

Submission:

Labcorp Genetics (formerly Invitae), Labcorp
Classification: Uncertain significance for Loeys-Dietz syndrome 2. Last evaluated: 2025-10-17. Review status: criteria provided, single submitter. Criteria: Invitae Variant Classification Sherloc (09022015). Collection method: clinical testing. Allele origin: germline.
Comment: This sequence change replaces arginine, which is basic and polar, with histidine, which is basic and polar, at codon 610 of the TMPO protein (p.Arg610His). This variant is present in population databases (rs150445385, gnomAD 0.02%). This variant has not been reported in the literature in individuals affected with TMPO-related conditions. ClinVar contains an entry for this variant (Variation ID: 410623). Invitae Evidence Modeling of protein sequence and biophysical properties (such as structural, functional, and spatial information, amino acid conservation, physicochemical variation, residue mobility, and thermodynamic stability) indicates that this missense variant is not expected to disrupt TMPO protein function with a negative predictive value of 80%. In summary, the available evidence is currently insufficient to determine the role of this variant in disease. Therefore, it has been classified as a Variant of Uncertain Significance.

NM_001032283.3(TMPO):c.565+2248G>A

Gene: TMPO (thymopoietin; plus strand). Cytogenetic location: 12q23.1.
Variant type: single nucleotide variant.
Coding change: c.565+2248G>A on transcript NM_001032283.3 (MANE Select); 2248 bases into the intron after coding-DNA position 565, G replaced by A.
Molecular consequence: intron variant. On other transcripts: missense variant (1).
Genome position (GRCh38, 1-based): chr12:98,534,086, G>A. VCF-style: chr12-98534086-G-A. GRCh37 (hg19) VCF-style: chr12-98927864-G-A.
Other names: c.1829G>A, p.Arg610His (NM_003276.2); c.565+2248G>A (NM_001307975.2, NM_001032284.3); short protein forms R610H.
Identifiers: ClinVar variation 410623 (VCV000410623.9), dbSNP rs150445385, ClinGen allele CA6732495.